The following is an entry in ClinVar:

ClinVar aggregate classification (germline): Uncertain significance (1 of 4 stars; one submission).

Conditions:
Polycystic kidney disease 2 (PKD2). Also called: POLYCYSTIC KIDNEY DISEASE, ADULT, TYPE II; Polycystic Kidney Disease 2, Autosomal Dominant; POLYCYSTIC KIDNEY DISEASE 2 WITH OR WITHOUT POLYCYSTIC LIVER DISEASE. Identifiers: MedGen C2751306, MONDO:0013131, OMIM 613095.

Submission:

Juno Genomics, Hangzhou Juno Genomics, Inc
Classification: Uncertain significance for Polycystic kidney disease 2. Review status: criteria provided, single submitter. Criteria: ACMG Guidelines, 2015. Collection method: clinical testing. Allele origin: germline. Affected: yes.
Comment: Absent from controls (or at extremely low frequency if recessive) in Genome Aggregation Database, Exome Sequencing Project, 1000 Genomes Project, or Exome Aggregation Consortium.;Protein length changes due to in-frame deletions/insertions in a non-repeat region or stop-loss variants.;Patient's phenotype or family history is highly specific for a disease with a single genetic etiology.

NM_000297.4(PKD2):c.1445_1459del (p.Phe482_Tyr486del)

Gene: PKD2 (polycystin 2, transient receptor potential cation channel; plus strand). Cytogenetic location: 4q22.1.
Variant type: Deletion.
Coding change: c.1445_1459del on transcript NM_000297.4 (MANE Select); coding-DNA positions 1445 to 1459, 15 bases deleted (TCTTTATCTTTTACT).
Protein change: p.Phe482_Tyr486del.
Molecular consequence: inframe deletion. On other transcripts: non-coding transcript variant (1).
Genome position (GRCh38, 1-based): chr4:88,046,767-88,046,781, TCTTTATCTTTTACT deleted; deleting any 15 consecutive bases within chr4:88,046,766-88,046,781 gives the same sequence; the c. name uses the placement nearest the transcript's 3' end. VCF-style (leftmost placement, unchanged base first): chr4-88046765-TTTCTTTATCTTTTAC-T. GRCh37 (hg19) VCF-style: chr4-88967917-TTTCTTTATCTTTTAC-T.
Identifiers: ClinVar variation 3382109 (VCV003382109.2).